The following is an entry in ClinVar:

NM_014989.7(RIMS1):c.2074C>T (p.Pro692Ser)

Gene: RIMS1 (regulating synaptic membrane exocytosis 1; plus strand). Cytogenetic location: 6q13.
Variant type: single nucleotide variant.
Coding change: c.2074C>T on transcript NM_014989.7 (MANE Select); coding-DNA position 2074, C replaced by T.
Protein change: p.Pro692Ser; replaces proline 692 with serine.
Molecular consequence: missense variant.
Genome position (GRCh38, 1-based): chr6:72,242,430, C>T. VCF-style: chr6-72242430-C-T. GRCh37 (hg19) VCF-style: chr6-72952133-C-T.
Other names: c.496C>T, p.Pro166Ser (NM_001168407.2, NM_001168408.2, NM_001350414.2 and 37 more transcripts); c.253C>T, p.Pro85Ser (NM_001168409.2, NM_001350461.2, NM_001350463.2 and 6 more transcripts); c.451C>T, p.Pro151Ser (NM_001168410.2, NM_001350470.2, NM_001350472.2 and 2 more transcripts); c.427C>T, p.Pro143Ser (NM_001350421.2, NM_001350424.2, NM_001350428.2 and 6 more transcripts); short protein forms P151S, P166S, P85S, P143S, P692S.
Identifiers: ClinVar variation 1045720 (VCV001045720.8), dbSNP rs2067341321, ClinGen allele CA364677012.
Genomic context (GRCh38, chr6:72,242,430, plus strand): 5'-GTTTACAACATTATTTTAGAATCAAAATCAGAACCTCAAGTTGAAATTATTGTTTCAAGG[C>T]CTATTGGGTAAGGCTAAAAAAACTTACTTCTTAAGTTTAGTAAATTACATGTATTAGTAG-3'
Protein context (NP_055804.2, residues 682-702): EPQVEIIVSR[Pro692Ser]IGDIPRIPES

ClinVar aggregate classification (germline): Uncertain significance (1 of 4 stars; one submission).

Allele frequency attached by ClinVar (database versions not stated): gnomAD exomes below 0.00001.
gnomAD v4.1: 3 of 1,552,436 alleles (0.00019%); highest among the groups gnomAD compares: Non-Finnish European, 0.00026%; no homozygotes.

Submission:

Labcorp Genetics (formerly Invitae), Labcorp
Classification: Uncertain significance. Last evaluated: 2022-01-22. Review status: criteria provided, single submitter. Criteria: Invitae Variant Classification Sherloc (09022015). Collection method: clinical testing. Allele origin: germline.
Comment: In summary, the available evidence is currently insufficient to determine the role of this variant in disease. Therefore, it has been classified as a Variant of Uncertain Significance. Algorithms developed to predict the effect of sequence changes on RNA splicing suggest that this variant may create or strengthen a splice site. Algorithms developed to predict the effect of missense changes on protein structure and function are either unavailable or do not agree on the potential impact of this missense change (SIFT: "Deleterious"; PolyPhen-2: "Benign"; Align-GVGD: "Class C65"). ClinVar contains an entry for this variant (Variation ID: 1045720). This variant has not been reported in the literature in individuals affected with RIMS1-related conditions. This variant is not present in population databases (gnomAD no frequency). This sequence change replaces proline, which is neutral and non-polar, with serine, which is neutral and polar, at codon 692 of the RIMS1 protein (p.Pro692Ser).